The following is an entry in ClinVar:

NM_001365276.2(TNXB):c.4670T>C (p.Val1557Ala)

Gene: TNXB (tenascin XB; minus strand). Cytogenetic location: 6p21.33.
Variant type: single nucleotide variant.
Coding change: c.4670T>C on transcript NM_001365276.2 (MANE Select); coding-DNA position 4670, T replaced by C.
Protein change: p.Val1557Ala; replaces valine 1557 with alanine.
Molecular consequence: missense variant.
Genome position (GRCh38, 1-based): chr6:32,073,658, A>G on the plus strand (T>C on the coding strand, the complement: TNXB is on the minus strand). VCF-style: chr6-32073658-A-G. GRCh37 (hg19) VCF-style: chr6-32041435-A-G.
Other names: c.4670T>C, p.Val1557Ala (NM_019105.8); short protein forms V1557A.
Identifiers: ClinVar variation 2508019 (VCV002508019.3), dbSNP rs771942722, ClinGen allele CA3734912.

ClinVar aggregate classification (germline): Uncertain significance (1 of 4 stars; one submission).

Conditions:
Cardiovascular phenotype. Identifiers: MedGen CN230736.

Allele frequency attached by ClinVar (database versions not stated): TOPMed below 0.00001; gnomAD 0.00001; gnomAD exomes 0.00001; ExAC 0.00004.
gnomAD v4.1: 8 of 1,606,716 alleles (0.0005%); highest among the groups gnomAD compares: East Asian, 0.018%; no homozygotes.

Submission:

Ambry Genetics
Classification: Uncertain significance for Cardiovascular phenotype. Last evaluated: 2025-06-28. Review status: criteria provided, single submitter. Criteria: Ambry Variant Classification Scheme 2023. Collection method: clinical testing. Allele origin: germline.
Comment: The p.V1557A variant (also known as c.4670T>C), located in coding exon 11 of the TNXB gene, results from a T to C substitution at nucleotide position 4670. The valine at codon 1557 is replaced by alanine, an amino acid with similar properties. This amino acid position is conserved. In addition, this alteration is predicted to be tolerated by in silico analysis. Since supporting evidence is limited at this time, the clinical significance of this alteration remains unclear.